The following is an entry in ClinVar:

ClinVar aggregate classification (germline): Conflicting classifications of pathogenicity. Review status: criteria provided, conflicting classifications (1 of 4 stars). 3 submissions from 3 submitters: Pathogenic (1); Likely pathogenic (1); Uncertain significance (1). Last evaluated 2024-09-19.

Conditions:
C9-related disorders.

Submissions (3):

Blueprint Genetics
Classification: Likely pathogenic for C9-related disorders. Last evaluated: 2024-09-19. Review status: criteria provided, single submitter. Criteria: ACMG Guidelines, 2015. Collection method: clinical testing. Allele origin: germline. Affected: yes. Observed: 1 variant allele.

GeneDx
Classification: Uncertain significance. Last evaluated: 2023-01-31. Review status: criteria provided, single submitter. Criteria: GeneDx Variant Classification Process June 2021. Collection method: clinical testing. Allele origin: germline. Affected: yes.
Comment: Frameshift variant predicted to result in protein truncation or nonsense mediated decay in a gene or region of a gene for which loss of function is not a well-established mechanism of disease; Has not been previously published as pathogenic or benign to our knowledge

Labcorp Genetics (formerly Invitae), Labcorp
Classification: Pathogenic. Last evaluated: 2022-06-22. Review status: criteria provided, single submitter. Criteria: Invitae Variant Classification Sherloc (09022015). Collection method: clinical testing. Allele origin: germline.
Comment: This sequence change creates a premature translational stop signal (p.Leu489Profs*11) in the C9 gene. It is expected to result in an absent or disrupted protein product. Loss-of-function variants in C9 are known to be pathogenic (PMID: 9144525, 9570574). This variant is present in population databases (rs765507796, gnomAD 0.009%). This variant has not been reported in the literature in individuals affected with C9-related conditions. For these reasons, this variant has been classified as Pathogenic.

Literature cited by the submitters: PubMed 9144525 (cited by Labcorp Genetics (formerly Invitae), Labcorp); PubMed 9570574 (cited by Labcorp Genetics (formerly Invitae), Labcorp).

NM_001737.5(C9):c.1465dup (p.Leu489fs)

Gene: C9 (complement C9; minus strand). Cytogenetic location: 5p13.1.
Variant type: Duplication.
Coding change: c.1465dup on transcript NM_001737.5 (MANE Select); coding-DNA position 1465, one base duplicated (C; older notation c.1465dupC).
Protein change: p.Leu489fs; shifts the reading frame from leucine 489.
Molecular consequence: frameshift variant.
Genome position (GRCh38, 1-based): chr5:39,288,903, G duplicated on the plus strand (C on the coding strand, the reverse complement: C9 is on the minus strand); the first of 2 consecutive G bases (chr5:39,288,903-39,288,904); duplicating either gives the same sequence. VCF-style (leftmost placement, unchanged base first): chr5-39288902-A-AG. GRCh37 (hg19) VCF-style: chr5-39289004-A-AG.
Other names: c.1465dup (NM_001737.3); short protein forms L489fs.
Identifiers: ClinVar variation 1409005 (VCV001409005.4), dbSNP rs765507796, ClinGen allele CA3246677.